The following is an entry in ClinVar:

NM_025233.7(COASY):c.161_171del (p.Gln54fs)

Gene: COASY (Coenzyme A synthase; plus strand). Cytogenetic location: 17q21.2.
Variant type: Deletion.
Coding change: c.161_171del on transcript NM_025233.7 (MANE Select); coding-DNA positions 161 to 171, 11 bases deleted (AGTCCAGCCCC).
Protein change: p.Gln54fs; shifts the reading frame from glutamine 54.
Molecular consequence: frameshift variant.
Genome position (GRCh38, 1-based): chr17:42,562,783-42,562,793, AGTCCAGCCCC deleted; deleting any 11 consecutive bases within chr17:42,562,776-42,562,793 gives the same sequence; the c. name uses the placement nearest the transcript's 3' end. VCF-style (leftmost placement, unchanged base first): chr17-42562775-TCAGCCCCAGTC-T. GRCh37 (hg19) VCF-style: chr17-40714793-TCAGCCCCAGTC-T.
Other names: c.154_164del (NM_025233.7); c.161_171del, p.Gln54fs (NM_001042529.3); c.248_258del, p.Gln83fs (NM_001042532.4); short protein forms Q54fs, Q83fs.
Identifiers: ClinVar variation 1690703 (VCV001690703.2), dbSNP rs1408589058, ClinGen allele CA772133651.

ClinVar aggregate classification (germline): Likely pathogenic (1 of 4 stars; one submission).

Submission:

Laboratorio de Genetica e Diagnostico Molecular, Hospital Israelita Albert Einstein
Classification: Likely pathogenic. Last evaluated: 2019-10-09. Review status: criteria provided, single submitter. Criteria: ACMG Guidelines, 2015. Collection method: clinical testing. Allele origin: germline. Affected: yes.
Comment: ACMG classification criteria: PVS1, PM2